The following is an entry in ClinVar:

ClinVar aggregate classification (germline): Uncertain significance (1 of 4 stars; one submission).

Conditions:
Malignant hyperthermia, susceptibility to, 1 (MHS1). Also called: Anesthesia related hyperthermia; Malignant hyperpyrexia; Fulminating hyperpyrexia; Pharmacogenic myopathy; Malignant hyperthermia suceptibility 1; RYR1-Related Malignant Hyperthermia Susceptibility. Identifiers: Orphanet 423, MedGen C2930980, MONDO:0007783, OMIM 145600.

Submission:

All of Us Research Program, National Institutes of Health
Classification: Uncertain significance for Malignant hyperthermia, susceptibility to, 1. Last evaluated: 2024-07-29. Review status: criteria provided, single submitter. Criteria: ACMG Guidelines, 2015. Collection method: clinical testing. Allele origin: germline. Inheritance: Autosomal dominant inheritance. Observed: 1 variant allele, 1 heterozygote.
Comment: This missense variant replaces alanine with proline at codon 3479 of the RYR1 protein. Computational prediction is inconclusive regarding the impact of this variant on protein structure and function (internally defined REVEL score threshold 0.5 < inconclusive < 0.7, PMID: 27666373). To our knowledge, functional studies have not been reported for this variant. This variant has not been reported in individuals affected with RYR1-related disorders in the literature. This variant has not been identified in the general population by the Genome Aggregation Database (gnomAD). The available evidence is insufficient to determine the role of this variant in disease conclusively. Therefore, this variant is classified as a Variant of Uncertain Significance.

This study involves interpretation of variants in research participants for the purpose of population health screening. Participant phenotype was not available at the time of variant classification. Additional details can be found in publication PMID: 35346344, PMCID: PMC8962531

NM_000540.3(RYR1):c.10435G>C (p.Ala3479Pro)

Gene: RYR1 (ryanodine receptor 1; plus strand). Cytogenetic location: 19q13.2.
Variant type: single nucleotide variant.
Coding change: c.10435G>C on transcript NM_000540.3 (MANE Select); coding-DNA position 10435, G replaced by C.
Protein change: p.Ala3479Pro; replaces alanine 3479 with proline.
Molecular consequence: missense variant.
Genome position (GRCh38, 1-based): chr19:38,523,304, G>C. VCF-style: chr19-38523304-G-C. GRCh37 (hg19) VCF-style: chr19-39013944-G-C.
Other names: c.10435G>C, p.Ala3479Pro (NM_001042723.2); short protein forms A3479P.
Identifiers: ClinVar variation 3385530 (VCV003385530.1).